The following is an entry in ClinVar:

NM_206933.4(USH2A):c.13010C>A (p.Thr4337Lys)

Gene: USH2A (usherin; minus strand). Cytogenetic location: 1q41.
Variant type: single nucleotide variant.
Coding change: c.13010C>A on transcript NM_206933.4 (MANE Select); coding-DNA position 13010, C replaced by A.
Protein change: p.Thr4337Lys; replaces threonine 4337 with lysine.
Molecular consequence: missense variant.
Genome position (GRCh38, 1-based): chr1:215,674,901, G>T on the plus strand (C>A on the coding strand, the complement: USH2A is on the minus strand). VCF-style: chr1-215674901-G-T. GRCh37 (hg19) VCF-style: chr1-215848243-G-T.
Other names: short protein forms T4337K.
Identifiers: ClinVar variation 2998308 (VCV002998308.4), dbSNP rs527236137, ClinGen allele CA344847850.
Genomic context (GRCh38, chr1:215,674,901, plus strand): 5'-GATGGAGCAGCCTCCAGAGTTGTGATGCTGGTGGGTTTGCTGGTGGAGCATCCTCCACTC[G>T]TGCAGGCTTGGAGTGCATAGCTATAGGTGGAAAAAGGAAGAAGCTCTTCATCAGTGTAAT-3'
Protein context (NP_996816.3, residues 4327-4347): STYSYALQAC[Thr4337Lys]SGGCSTSKPT

ClinVar aggregate classification (germline): Conflicting classifications of pathogenicity. Review status: criteria provided, conflicting classifications (1 of 4 stars). 2 submissions from 2 submitters: Likely pathogenic (1); Uncertain significance (1). Last evaluated 2025-03-31.

Conditions:
USH2A-related disorder. Also called: USH2A-related condition; USH2A-related disorders. Identifiers: MedGen CN239332.

Submissions (2):

Labcorp Genetics (formerly Invitae), Labcorp
Classification: Uncertain significance. Last evaluated: 2025-03-31. Review status: criteria provided, single submitter. Criteria: Invitae Variant Classification Sherloc (09022015). Collection method: clinical testing. Allele origin: germline.
Comment: This sequence change replaces threonine, which is neutral and polar, with lysine, which is basic and polar, at codon 4337 of the USH2A protein (p.Thr4337Lys). This variant is not present in population databases (gnomAD no frequency). This variant has not been reported in the literature in individuals affected with USH2A-related conditions. ClinVar contains an entry for this variant (Variation ID: 2998308). Invitae Evidence Modeling of protein sequence and biophysical properties (such as structural, functional, and spatial information, amino acid conservation, physicochemical variation, residue mobility, and thermodynamic stability) has been performed for this missense variant. However, the output from this modeling did not meet the statistical confidence thresholds required to predict the impact of this variant on USH2A protein function. This variant disrupts the p.Thr4337 amino acid residue in USH2A. Other variant(s) that disrupt this residue have been determined to be pathogenic (PMID: 17085681, 24498627, 25324289, 25356976, 26654877, 26667666, 28944237, 29588463; internal data). This suggests that this residue is clinically significant, and that variants that disrupt this residue are likely to be disease-causing. In summary, the available evidence is currently insufficient to determine the role of this variant in disease. Therefore, it has been classified as a Variant of Uncertain Significance.

Blueprint Genetics
Classification: Likely pathogenic for USH2A-related disorders. Last evaluated: 2022-11-29. Review status: criteria provided, single submitter. Criteria: ACMG Guidelines, 2015. Collection method: clinical testing. Allele origin: germline. Affected: yes. Observed: 1 variant allele.

Literature cited by the submitters: PubMed 17085681 (cited by Labcorp Genetics (formerly Invitae), Labcorp); PubMed 24498627 (cited by Labcorp Genetics (formerly Invitae), Labcorp); PubMed 25324289 (cited by Labcorp Genetics (formerly Invitae), Labcorp); PubMed 25356976 (cited by Labcorp Genetics (formerly Invitae), Labcorp); PubMed 26654877 (cited by Labcorp Genetics (formerly Invitae), Labcorp); PubMed 26667666 (cited by Labcorp Genetics (formerly Invitae), Labcorp); PubMed 28944237 (cited by Labcorp Genetics (formerly Invitae), Labcorp); PubMed 29588463 (cited by Labcorp Genetics (formerly Invitae), Labcorp).